The following is an entry in ClinVar:

ClinVar aggregate classification (germline): Uncertain significance (1 of 4 stars; one submission).

Submission:

GeneDx
Classification: Uncertain significance. Last evaluated: 2024-08-15. Review status: criteria provided, single submitter. Criteria: GeneDx Variant Classification Process June 2021. Collection method: clinical testing. Allele origin: germline. Affected: yes.
Comment: Not observed at significant frequency in large population cohorts (gnomAD); In silico analysis indicates that this missense variant does not alter protein structure/function; Has not been previously published as pathogenic or benign to our knowledge

NM_000496.3(CRYBB2):c.130A>C (p.Thr44Pro)

Gene: CRYBB2 (crystallin beta B2; plus strand). Cytogenetic location: 22q11.23.
Variant type: single nucleotide variant.
Coding change: c.130A>C on transcript NM_000496.3 (MANE Select); coding-DNA position 130, A replaced by C.
Protein change: p.Thr44Pro; replaces threonine 44 with proline.
Molecular consequence: missense variant.
Genome position (GRCh38, 1-based): chr22:25,224,993, A>C. VCF-style: chr22-25224993-A-C. GRCh37 (hg19) VCF-style: chr22-25620960-A-C.
Other names: short protein forms T44P.
Identifiers: ClinVar variation 3731002 (VCV003731002.1).